The following is an entry in ClinVar:

NM_001190274.2(FBXO11):c.428_430dup (p.Ser143_Gln144insPro)

Gene: FBXO11 (F-box protein 11; minus strand). Cytogenetic location: 2p16.3.
Variant type: Duplication.
Coding change: c.428_430dup on transcript NM_001190274.2 (MANE Select); coding-DNA positions 428 to 430, 3 bases duplicated (CAC; older notation c.428_430dupCAC).
Protein change: p.Ser143_Gln144insPro.
Molecular consequence: inframe insertion.
Genome position (GRCh38, 1-based): chr2:47,839,431-47,839,433, GTG duplicated on the plus strand (CAC on the coding strand, the reverse complement: FBXO11 is on the minus strand). VCF-style (leftmost placement, unchanged base first): chr2-47839430-T-TGTG. GRCh37 (hg19) VCF-style: chr2-48066569-T-TGTG.
Other names: c.176_178dup, p.Ser59_Gln60insPro (NM_001374325.1, NM_025133.4).
Identifiers: ClinVar variation 5037607 (VCV005037607.1).

ClinVar aggregate classification (germline): Uncertain significance (1 of 4 stars; one submission).

Submission:

GeneDx
Classification: Uncertain significance. Last evaluated: 2026-04-24. Review status: criteria provided, single submitter. Criteria: GeneDx Variant Classification Process June 2021. Collection method: clinical testing. Allele origin: germline.
Comment: Not observed at significant frequency in large population cohorts (gnomAD); In-frame insertion of 1 amino acid(s) in a non-repeat region; Has not been previously published as pathogenic or benign to our knowledge